The following is an entry in ClinVar:

NM_000245.4(MET):c.4143A>G (p.Thr1381=)

Gene: MET (MET proto-oncogene, receptor tyrosine kinase; plus strand). Cytogenetic location: 7q31.2.
Variant type: single nucleotide variant.
Coding change: c.4143A>G on transcript NM_000245.4 (MANE Select); coding-DNA position 4143, A replaced by G.
Protein change: p.Thr1381=; no amino-acid change (threonine 1381 retained).
Molecular consequence: synonymous variant.
Genome position (GRCh38, 1-based): chr7:116,796,094, A>G. VCF-style: chr7-116796094-A-G. GRCh37 (hg19) VCF-style: chr7-116436148-A-G.
Other names: c.4197A>G, p.Thr1399= (NM_001127500.3); c.2853A>G, p.Thr951= (NM_001324402.2).
Identifiers: ClinVar variation 3773071 (VCV003773071.1).
Genomic context (GRCh38, chr7:116,796,094, plus strand): 5'-TGTCGCTCCGTATCCTTCTCTGTTGTCATCAGAAGATAACGCTGATGATGAGGTGGACAC[A>G]CGACCAGCCTCCTTCTGGGAGACATCATAGTGCTAGTACTATGTCAAAGCAACAGTCCAC-3'
Protein context (NP_000236.2, residues 1371-1390): SEDNADDEVD[Thr1381=]RPASFWETS

ClinVar aggregate classification (germline): Benign (1 of 4 stars; one submission).

Conditions:
Papillary renal cell carcinoma type 1 (RCCP1). Also called: Renal adenocarcinoma; Renal cell carcinoma 1; Renal cell carcinoma, somatic; RENAL CELL CARCINOMA, PAPILLARY, 1, SOMATIC. Identifiers: Orphanet 47044, MedGen C1336839, OMIM 605074, HP:0011797.

Submission:

Myriad Genetics, Inc.
Classification: Benign for Papillary renal cell carcinoma type 1. Last evaluated: 2024-11-15. Review status: criteria provided, single submitter. Criteria: Myriad Autosomal Dominant, Autosomal Recessive and X-Linked Classification Criteria (2023). Collection method: clinical testing. Allele origin: unknown.
Comment: This variant is considered benign. This variant is a silent/synonymous amino acid change and it is not expected to impact splicing.